The following is an entry in ClinVar:

NM_032043.3(BRIP1):c.2971C>G (p.Pro991Ala)

Gene: BRIP1 (BRCA1 interacting DNA helicase 1; minus strand). Cytogenetic location: 17q23.2.
Variant type: single nucleotide variant.
Coding change: c.2971C>G on transcript NM_032043.3 (MANE Select); coding-DNA position 2971, C replaced by G.
Protein change: p.Pro991Ala; replaces proline 991 with alanine.
Molecular consequence: missense variant.
Genome position (GRCh38, 1-based): chr17:61,684,075, G>C on the plus strand (C>G on the coding strand, the complement: BRIP1 is on the minus strand). VCF-style: chr17-61684075-G-C. GRCh37 (hg19) VCF-style: chr17-59761436-G-C.
Other names: short protein forms P991A.
Identifiers: ClinVar variation 4783575 (VCV004783575.1).

ClinVar aggregate classification (germline): Uncertain significance (1 of 4 stars; one submission).

Conditions:
Fanconi anemia complementation group J. Also called: BRIP1-Related Fanconi Anemia. Identifiers: Orphanet 84, MedGen C1836860, MONDO:0012187, OMIM 609054.
Familial cancer of breast. Also called: Hereditary breast cancer; hereditary breast carcinoma; BREAST CANCER, FAMILIAL. Identifiers: Orphanet 227535, MedGen C0346153, MONDO:0016419, OMIM 114480. Disease mechanism: loss of function.

Submission:

Labcorp Genetics (formerly Invitae), Labcorp
Classification: Uncertain significance for Familial cancer of breast; Fanconi anemia complementation group J. Last evaluated: 2025-06-30. Review status: criteria provided, single submitter. Criteria: Invitae Variant Classification Sherloc (09022015). Collection method: clinical testing. Allele origin: germline.
Comment: This sequence change replaces proline, which is neutral and non-polar, with alanine, which is neutral and non-polar, at codon 991 of the BRIP1 protein (p.Pro991Ala). This variant is not present in population databases (gnomAD no frequency). This variant has not been reported in the literature in individuals affected with BRIP1-related conditions. Invitae Evidence Modeling of protein sequence and biophysical properties (such as structural, functional, and spatial information, amino acid conservation, physicochemical variation, residue mobility, and thermodynamic stability) indicates that this missense variant is not expected to disrupt BRIP1 protein function with a negative predictive value of 95%. Experimental studies have shown that this missense change affects BRIP1 function (PMID: 14576433). In summary, the available evidence is currently insufficient to determine the role of this variant in disease. Therefore, it has been classified as a Variant of Uncertain Significance.

Literature cited by the submitters: PubMed 14576433.